The following is an entry in ClinVar:

ClinVar aggregate classification (germline): Uncertain significance. Review status: criteria provided, multiple submitters, no conflicts (2 of 4 stars). 2 submissions from 2 submitters: Uncertain significance (2). Last evaluated 2022-06-03.

Conditions:
Inborn genetic diseases. Identifiers: MedGen C0950123, MeSH D030342.
Granulomatous disease, chronic, autosomal recessive, cytochrome b-positive, type 2. Also called: GRANULOMATOUS DISEASE, CHRONIC, DUE TO NCF2 DEFICIENCY; CGD, AUTOSOMAL RECESSIVE CYTOCHROME b-POSITIVE, TYPE II; GRANULOMATOUS DISEASE, CHRONIC, AUTOSOMAL RECESSIVE, 2; Chronic granulomatous disease due to deficiency of NCF-2; Chronic Granulomatous Disease, Autosomal Recessive, Cytochrome b-Positive, Type II. Identifiers: Orphanet 379, MedGen C1856245, MONDO:0009310, OMIM 233710.

Allele frequency attached by ClinVar (database versions not stated): gnomAD exomes below 0.00001; TOPMed below 0.00001.
gnomAD v4.1: 3 of 1,614,062 alleles (0.00019%); highest among the groups gnomAD compares: Non-Finnish European, 0.00025%; no homozygotes.

Submissions (2):

Labcorp Genetics (formerly Invitae), Labcorp
Classification: Uncertain significance for Granulomatous disease, chronic, autosomal recessive, cytochrome b-positive, type 2. Last evaluated: 2022-06-03. Review status: criteria provided, single submitter. Criteria: Invitae Variant Classification Sherloc (09022015). Collection method: clinical testing. Allele origin: germline.
Comment: Algorithms developed to predict the effect of missense changes on protein structure and function are either unavailable or do not agree on the potential impact of this missense change (SIFT: "Deleterious"; PolyPhen-2: "Probably Damaging"; Align-GVGD: "Class C0"). ClinVar contains an entry for this variant (Variation ID: 1488635). This variant has not been reported in the literature in individuals affected with NCF2-related conditions. This variant is not present in population databases (gnomAD no frequency). This sequence change replaces serine, which is neutral and polar, with proline, which is neutral and non-polar, at codon 488 of the NCF2 protein (p.Ser488Pro). In summary, the available evidence is currently insufficient to determine the role of this variant in disease. Therefore, it has been classified as a Variant of Uncertain Significance.

Ambry Genetics
Classification: Uncertain significance for Inborn genetic diseases. Last evaluated: 2021-08-30. Review status: criteria provided, single submitter. Criteria: Ambry Variant Classification Scheme 2023. Collection method: clinical testing. Allele origin: germline.

NM_000433.4(NCF2):c.1462T>C (p.Ser488Pro)

Gene: NCF2 (neutrophil cytosolic factor 2; minus strand). Cytogenetic location: 1q25.3.
Variant type: single nucleotide variant.
Coding change: c.1462T>C on transcript NM_000433.4 (MANE Select); coding-DNA position 1462, T replaced by C.
Protein change: p.Ser488Pro; replaces serine 488 with proline.
Molecular consequence: missense variant.
Genome position (GRCh38, 1-based): chr1:183,560,102, A>G on the plus strand (T>C on the coding strand, the complement: NCF2 is on the minus strand). VCF-style: chr1-183560102-A-G. GRCh37 (hg19) VCF-style: chr1-183529237-A-G.
Other names: c.1462T>C, p.Ser488Pro (NM_001127651.3); c.1219T>C, p.Ser407Pro (NM_001190789.2); c.1327T>C, p.Ser443Pro (NM_001190794.2); c.1462T>C (NM_000433.3); short protein forms S407P, S443P, S488P.
Identifiers: ClinVar variation 1488635 (VCV001488635.8), dbSNP rs1671974257, ClinGen allele CA343703508.